The following is an entry in ClinVar:

NM_014975.3(MAST1):c.3450A>G (p.Leu1150=)

Gene: MAST1 (microtubule associated serine/threonine kinase 1; plus strand). Cytogenetic location: 19p13.13.
Variant type: single nucleotide variant.
Coding change: c.3450A>G on transcript NM_014975.3 (MANE Select); coding-DNA position 3450, A replaced by G.
Protein change: p.Leu1150=; no amino-acid change (leucine 1150 retained).
Molecular consequence: synonymous variant.
Genome position (GRCh38, 1-based): chr19:12,873,510, A>G. VCF-style: chr19-12873510-A-G. GRCh37 (hg19) VCF-style: chr19-12984324-A-G.
Identifiers: ClinVar variation 4704997 (VCV004704997.1).
Genomic context (GRCh38, chr19:12,873,510, plus strand): 5'-CGGGCTGCCGGCGCGCTCGCCCACGCACAGCTACCGCTCCACGCCTGACTCCGCCTACCT[A>G]GGTATTACCTCCTGCACCTGCGCGGGGACCGAGCAGCGCGGGGTGGCCTGGCTGGTGCTT-3'
Protein context (NP_055790.1, residues 1140-1160): SYRSTPDSAY[Leu1150=]GASSQSSSPA

ClinVar aggregate classification (germline): Uncertain significance (1 of 4 stars; one submission).

gnomAD v4.1: 7 of 1,601,460 alleles (0.00044%); highest among the groups gnomAD compares: Non-Finnish European, 0.00051%; no homozygotes.

Submission:

Labcorp Genetics (formerly Invitae), Labcorp
Classification: Uncertain significance. Last evaluated: 2025-08-23. Review status: criteria provided, single submitter. Criteria: Invitae Variant Classification Sherloc (09022015). Collection method: clinical testing. Allele origin: germline.
Comment: This sequence change affects codon 1150 of the MAST1 mRNA. It is a 'silent' change, meaning that it does not change the encoded amino acid sequence of the MAST1 protein. It affects a nucleotide within the consensus splice site. This variant is not present in population databases (gnomAD no frequency). This variant has not been reported in the literature in individuals affected with MAST1-related conditions. Algorithms developed to predict the effect of sequence changes on RNA splicing suggest that this variant may disrupt the consensus splice site. In summary, the available evidence is currently insufficient to determine the role of this variant in disease. Therefore, it has been classified as a Variant of Uncertain Significance.